The following is an entry in ClinVar:

ClinVar aggregate classification (germline): Pathogenic/Likely pathogenic. Review status: criteria provided, multiple submitters, no conflicts (2 of 4 stars). 22 submissions from 22 submitters: Pathogenic (16); Likely pathogenic (2). 4 of the submissions do not count toward it. Last evaluated 2026-02-23.

Conditions:
ATP7B-related disorder. Also called: ATP7B-related condition.
Wilson disease (WND). Also called: Wilson's disease. Identifiers: Orphanet 905, MedGen C0019202, MONDO:0010200, OMIM 277900. Disease mechanism: loss of function.

Allele frequency attached by ClinVar (database versions not stated): gnomAD exomes 0.00003 and 0.00006; ExAC 0.00005; gnomAD 0.00005 and 0.00006; TOPMed 0.00005.
gnomAD v4.1: 91 of 1,614,160 alleles (0.0056%); highest among the groups gnomAD compares: Non-Finnish European, 0.0073%; no homozygotes.

Submissions 1 to 11 of 22:

Otogenetics
Classification: Pathogenic for Wilson disease. Last evaluated: 2026-02-23. Review status: criteria provided, single submitter. Criteria: ACMG Guidelines, 2015. Collection method: clinical testing. Allele origin: germline.
Comment: PS3_Supporting: Well-established in vitro and in vivo functional studies supportive of damaging effect on the gene product, with low residual enzymatic activity relative to wild-type reported (PMID: 22240481, 22692182); PM2: Maximum gnomAD MAF of 0.0124% in African (AFR) subpopulation (<0.243% threshold); PM3_VeryStrong: Variant reported in trans with multiple pathogenic variants in numerous individuals affected with Wilson disease (PMID: 21610751, 23518715); PM5: Likely pathogenic missense amino acid changes occurs in same position: c.3796G>T p.Gly1266Trp, c.3797G>T p.Gly1266Val (PMID: 9311736, 21832955); PP3: In-silico models predict deleterious effect (Revel = 0.97, BayesDel = 0.58)

PreventionGenetics, part of Exact Sciences
Classification: Pathogenic for ATP7B-related condition. Last evaluated: 2026-01-28. Review status: criteria provided, single submitter. Criteria: ACMG Guidelines, 2015. Collection method: clinical testing. Allele origin: germline.
Comment: The ATP7B c.3796G>A variant is predicted to result in the amino acid substitution p.Gly1266Arg. This variant, also known as Gly1267Arg, has been documented to be causative for Wilson disease and was reported to account for 10% of pathogenic ATP7B variants in the Northern European population (Thomas et al. 1995. PubMed ID: 7626145). In-vitro functional studies supported the pathogenicity of this variant (Huster et al. 2012. PubMed ID: 22240481). This variant is reported in 0.012% of alleles in individuals of African descent in gnomAD. This variant is interpreted as pathogenic.

Labcorp Genetics (formerly Invitae), Labcorp
Classification: Pathogenic for Wilson disease. Last evaluated: 2026-01-18. Review status: criteria provided, single submitter. Criteria: Invitae Variant Classification Sherloc (09022015). Collection method: clinical testing. Allele origin: germline.
Comment: This sequence change replaces glycine, which is neutral and non-polar, with arginine, which is basic and polar, at codon 1266 of the ATP7B protein (p.Gly1266Arg). This variant is present in population databases (rs121907992, gnomAD 0.01%). This missense change has been observed in individual(s) with Wilson disease (PMID: 7626145, 11243728, 21610751). ClinVar contains an entry for this variant (Variation ID: 3849). Invitae Evidence Modeling of protein sequence and biophysical properties (such as structural, functional, and spatial information, amino acid conservation, physicochemical variation, residue mobility, and thermodynamic stability) indicates that this missense variant is expected to disrupt ATP7B protein function with a positive predictive value of 80%. Experimental studies have shown that this missense change affects ATP7B function (PMID: 22240481, 22692182). For these reasons, this variant has been classified as Pathogenic.

Mayo Clinic Laboratories, Mayo Clinic
Classification: Pathogenic. Last evaluated: 2025-09-08. Review status: criteria provided, single submitter. Criteria: ACMG Guidelines, 2015. Collection method: clinical testing. Allele origin: germline. Observed: 6 variant alleles.
Comment: PP1, PP3_strong, PP4, PM2_supporting, PS3, PS4_moderate

Color Diagnostics, LLC DBA Color Health
Classification: Pathogenic for Wilson disease. Last evaluated: 2025-06-30. Review status: criteria provided, single submitter. Criteria: ACMG Guidelines, 2015. Collection method: clinical testing. Allele origin: germline.
Comment: This missense variant replaces glycine with arginine at codon 1266 of the ATP7B protein. This variant alters a conserved glycine residue in the phosphorylation domain of the ATP7B protein (a.a. 1004 - 1031a.a. 1197 - 1306), a highly conserved region that is considered to be important for ATP7B protein function (PMID: 35245129ClinVar). Computational prediction suggests that this variant may have deleterious impact on protein structure and function. Functional studies have shown that this variant disrupts copper uptake and transport (PMID: 22240481, 22692182). This variant has been reported in individuals affected with Wilson disease (PMID: 10502777, 11243728, 21610751, 23518715, 36096368). In some of these affected individuals, this variant has been determined to be compound heterozygous with another pathogenic variant in the same gene, while heterozygous carriers of this variant were determined to be unaffected. These data indicate that this variant contributes to Wilson disease in an autosomal recessive manner. This variant has been identified in 10/280988 chromosomes in the general population by the Genome Aggregation Database (gnomAD). Based on the available evidence, this variant is classified as Pathogenic.

Natera, Inc.
Classification: Pathogenic for Wilson disease. Last evaluated: 2025-06-23. Review status: criteria provided, single submitter. Criteria: Natera Variant Classification Schema (03/2026). Collection method: clinical testing. Allele origin: germline.
Comment: The c.3796G>A variant in ATP7B is a missense variant predicted to cause substitution of glycine to arginine at amino acid 1266. This variant is rare in the general population with a frequency below the threshold expected for the associated phenotype(s). This variant has been observed in one or more individuals affected with the associated recessive disease, as either homozygous or compound heterozygous with a second variant (PMID: 21610751, 34400371, 36096368). Functional studies show that this variant may disrupt protein function (PMID: 22240481). Computational prediction algorithms indicate this variant is likely to affect gene or protein function. Given the available evidence, this variant is classified as Pathogenic.

All of Us Research Program, National Institutes of Health
Classification: Pathogenic for Wilson disease. Last evaluated: 2024-09-23. Review status: criteria provided, single submitter. Criteria: ACMG Guidelines, 2015. Collection method: clinical testing. Allele origin: germline. Inheritance: Autosomal recessive inheritance. Observed: 21 variant alleles, 21 heterozygotes.
Comment: This missense variant replaces glycine with arginine at codon 1266 of the ATP7B protein. Computational prediction suggests that this variant may have deleterious impact on protein structure and function (internally defined REVEL score threshold >= 0.7, PMID: 27666373). Functional studies have shown that this variant disrupts copper uptake and transport (PMID: 22240481, 22692182). This variant has been reported in individuals affected with Wilson disease (PMID: 10502777, 11243728, 21610751, 23518715, 36096368). In some of these affected individuals, this variant has been determined to be compound heterozygous with another pathogenic variant in the same gene, while heterozygous carriers of this variant were determined to be unaffected. These data indicate that this variant contributes to Wilson disease in an autosomal recessive manner. This variant has been identified in 10/280988 chromosomes in the general population by the Genome Aggregation Database (gnomAD). Based on the available evidence, this variant is classified as Pathogenic.

This study involves interpretation of variants in research participants for the purpose of population health screening. Participant phenotype was not available at the time of variant classification. Additional details can be found in publication PMID: 35346344, PMCID: PMC8962531

Blueprint Genetics
Classification: Pathogenic for ATP7B-related disorders. Last evaluated: 2024-08-16. Review status: criteria provided, single submitter. Criteria: ACMG Guidelines, 2015. Collection method: clinical testing. Allele origin: germline. Affected: yes. Observed: 5 variant alleles.

CeGaT Center for Human Genetics Tuebingen
Classification: Pathogenic. Last evaluated: 2024-08-01. Review status: criteria provided, single submitter. Criteria: CeGaT Center For Human Genetics Tuebingen Variant Classification Criteria Version 2. Collection method: clinical testing. Allele origin: germline. Affected: yes. Observed: 3 variant alleles.
Comment: ATP7B: PM3:Strong, PS1, PM1, PM2, PM5, PP3, PP4, PS3:Supporting

Baylor Genetics
Classification: Pathogenic for Wilson disease. Last evaluated: 2024-03-05. Review status: criteria provided, single submitter. Criteria: ACMG Guidelines, 2015. Collection method: clinical testing. Allele origin: unknown.

Fulgent Genetics
Classification: Pathogenic for Wilson disease. Last evaluated: 2024-02-15. Review status: criteria provided, single submitter. Criteria: ACMG Guidelines, 2015. Collection method: clinical testing. Allele origin: germline.

NM_000053.4(ATP7B):c.3796G>A (p.Gly1266Arg)

Gene: ATP7B (ATPase copper transporting beta; minus strand). Cytogenetic location: 13q14.3.
Variant type: single nucleotide variant.
Coding change: c.3796G>A on transcript NM_000053.4 (MANE Select); coding-DNA position 3796, G replaced by A.
Protein change: p.Gly1266Arg; replaces glycine 1266 with arginine.
Molecular consequence: missense variant.
Genome position (GRCh38, 1-based): chr13:51,937,583, C>T on the plus strand (G>A on the coding strand, the complement: ATP7B is on the minus strand). VCF-style: chr13-51937583-C-T. GRCh37 (hg19) VCF-style: chr13-52511719-C-T.
Other names: G1267R; c.3175G>A, p.Gly1059Arg (NM_001005918.3); c.3463G>A, p.Gly1155Arg (NM_001243182.2); c.3562G>A, p.Gly1188Arg (NM_001330578.2); c.3544G>A, p.Gly1182Arg (NM_001330579.2); short protein forms G1266R, G1059R, G1155R, G1182R, G1188R.
Identifiers: ClinVar variation 3849 (VCV000003849.69), dbSNP rs121907992, ClinGen allele CA252890.